The following is an entry in ClinVar:

NM_001386140.1(MTTP):c.1708G>T (p.Glu570Ter)

Gene: MTTP (microsomal triglyceride transfer protein; plus strand). Cytogenetic location: 4q23.
Variant type: single nucleotide variant.
Coding change: c.1708G>T on transcript NM_001386140.1 (MANE Select); coding-DNA position 1708, G replaced by T.
Protein change: p.Glu570Ter; replaces glutamic acid 570 with a stop codon.
Molecular consequence: nonsense.
Genome position (GRCh38, 1-based): chr4:99,608,916, G>T. VCF-style: chr4-99608916-G-T. GRCh37 (hg19) VCF-style: chr4-100530073-G-T.
Other names: c.1708G>T, p.Glu570Ter (NM_000253.4); c.1459G>T, p.Glu487Ter (NM_001300785.2); short protein forms E570*, E487*.
Identifiers: ClinVar variation 1355057 (VCV001355057.6), dbSNP rs2110230260, ClinGen allele CA357513135.
Genomic context (GRCh38, chr4:99,608,916, plus strand): 5'-AACAATCCATCCTACATGGACGTCAAGAACATCCTGCTGTCTATTGGGGAGCTTCCCCAA[G>T]AAATGAATAAATACATGCTCGCCATTGTTCAAGACATCCTACGTTTTGAAATGCCTGCAA-3'

ClinVar aggregate classification (germline): Pathogenic (1 of 4 stars; one submission).

Allele frequency attached by ClinVar (database versions not stated): gnomAD exomes below 0.00001.
gnomAD v4.1: 2 of 1,614,112 alleles (0.00012%); highest among the groups gnomAD compares: Non-Finnish European, 0.00017%; no homozygotes.

Submission:

Labcorp Genetics (formerly Invitae), Labcorp
Classification: Pathogenic. Last evaluated: 2022-03-26. Review status: criteria provided, single submitter. Criteria: Invitae Variant Classification Sherloc (09022015). Collection method: clinical testing. Allele origin: germline.
Comment: For these reasons, this variant has been classified as Pathogenic. This variant has not been reported in the literature in individuals affected with MTTP-related conditions. This variant is not present in population databases (gnomAD no frequency). This sequence change creates a premature translational stop signal (p.Glu570*) in the MTTP gene. It is expected to result in an absent or disrupted protein product. Loss-of-function variants in MTTP are known to be pathogenic (PMID: 8533758, 9671739).

Literature cited by the submitters: PubMed 8533758; PubMed 9671739.